The following is an entry in ClinVar:

NM_080425.4(GNAS):c.2069-5423G>C

Gene: GNAS (GNAS complex locus; plus strand). Cytogenetic location: 20q13.32.
Variant type: single nucleotide variant.
Coding change: c.2069-5423G>C on transcript NM_080425.4 (MANE Plus Clinical); 5423 bases into the intron before coding-DNA position 2069, G replaced by C.
Molecular consequence: intron variant.
Genome position (GRCh38, 1-based): chr20:58,890,189, G>C. VCF-style: chr20-58890189-G-C. GRCh37 (hg19) VCF-style: chr20-57465244-G-C.
Other names: c.*43-5423G>C (NM_016592.5); c.44-5423G>C (NM_001410912.1); c.-38-5423G>C (NM_001309861.2); c.*1-5423G>C (NM_001077490.3); c.2069-5423G>C (NM_001410913.1); c.*159-5423G>C (NM_001309883.1); c.-39+836G>C (NM_001438273.1, NM_001309840.2); c.-39+857G>C (NM_001439291.1, NM_001438274.1).
Identifiers: ClinVar variation 3898457 (VCV003898457.7).

ClinVar aggregate classification (germline): Uncertain significance (1 of 4 stars; one submission).

Submission:

CeGaT Center for Human Genetics Tuebingen
Classification: Uncertain significance. Last evaluated: 2025-04-01. Review status: criteria provided, single submitter. Criteria: CeGaT Center For Human Genetics Tuebingen Variant Classification Criteria Version 2. Collection method: clinical testing. Allele origin: germline. Affected: yes. Observed: 1 variant allele.
Comment: GNAS: PM2, PP2